The following is an entry in ClinVar:

NM_006904.7(PRKDC):c.10322C>T (p.Ala3441Val)

Gene: PRKDC (protein kinase, DNA-activated, catalytic subunit; minus strand). Cytogenetic location: 8q11.21.
Variant type: single nucleotide variant.
Coding change: c.10322C>T on transcript NM_006904.7 (MANE Select); coding-DNA position 10322, C replaced by T.
Protein change: p.Ala3441Val; replaces alanine 3441 with valine.
Molecular consequence: missense variant.
Genome position (GRCh38, 1-based): chr8:47,798,373, G>A on the plus strand (C>T on the coding strand, the complement: PRKDC is on the minus strand). VCF-style: chr8-47798373-G-A. GRCh37 (hg19) VCF-style: chr8-48710934-G-A.
Other names: c.10322C>T, p.Ala3441Val (NM_001081640.2); short protein forms A3441V.
Identifiers: ClinVar variation 542002 (VCV000542002.4), dbSNP rs757868901, ClinGen allele CA4739337.

ClinVar aggregate classification (germline): Uncertain significance. Review status: criteria provided, multiple submitters, no conflicts (2 of 4 stars). 2 submissions from 2 submitters: Uncertain significance (2). Last evaluated 2023-05-10.

Conditions:
Severe combined immunodeficiency due to DNA-PKcs deficiency. Also called: IMMUNODEFICIENCY 26 WITH NEUROLOGIC ABNORMALITIES; Immunodeficiency 26 with or without neurologic abnormalities. Identifiers: Orphanet 317425, MedGen C4014833, MONDO:0014423, OMIM 615966.

Allele frequency attached by ClinVar (database versions not stated): gnomAD below 0.00001 and 0.00003; TOPMed 0.00001; gnomAD exomes 0.00007 and 0.00014; ExAC 0.00015.
gnomAD v4.1: 113 of 1,607,316 alleles (0.007%); highest among the groups gnomAD compares: South Asian, 0.11%; no homozygotes.

Submissions (2):

GeneDx
Classification: Uncertain significance. Last evaluated: 2023-05-10. Review status: criteria provided, single submitter. Criteria: GeneDx Variant Classification Process June 2021. Collection method: clinical testing. Allele origin: germline. Affected: yes.
Comment: In silico analysis supports that this missense variant does not alter protein structure/function; Has not been previously published as pathogenic or benign to our knowledge

Labcorp Genetics (formerly Invitae), Labcorp
Classification: Uncertain significance for Severe combined immunodeficiency due to DNA-PKcs deficiency. Last evaluated: 2022-02-10. Review status: criteria provided, single submitter. Criteria: Invitae Variant Classification Sherloc (09022015). Collection method: clinical testing. Allele origin: germline.
Comment: This sequence change replaces alanine, which is neutral and non-polar, with valine, which is neutral and non-polar, at codon 3441 of the PRKDC protein (p.Ala3441Val). This variant is present in population databases (rs757868901, gnomAD 0.1%). This variant has not been reported in the literature in individuals affected with PRKDC-related conditions. ClinVar contains an entry for this variant (Variation ID: 542002). Algorithms developed to predict the effect of missense changes on protein structure and function output the following: SIFT: "Not Available"; PolyPhen-2: "Not Available"; Align-GVGD: "Not Available". The valine amino acid residue is found in multiple mammalian species, which suggests that this missense change does not adversely affect protein function. In summary, the available evidence is currently insufficient to determine the role of this variant in disease. Therefore, it has been classified as a Variant of Uncertain Significance.